The following is an entry in ClinVar:

NM_015102.5(NPHP4):c.992+4T>G

Gene: NPHP4 (nephrocystin 4; minus strand). Cytogenetic location: 1p36.31.
Variant type: single nucleotide variant.
Coding change: c.992+4T>G on transcript NM_015102.5 (MANE Select); 4 bases into the intron after coding-DNA position 992, T replaced by G.
Molecular consequence: intron variant.
Genome position (GRCh38, 1-based): chr1:5,948,066, A>C on the plus strand (T>G on the coding strand, the complement: NPHP4 is on the minus strand). VCF-style: chr1-5948066-A-C. GRCh37 (hg19) VCF-style: chr1-6008126-A-C.
Other names: c.-375+4T>G (NM_001291594.2, NM_001291593.2).
Identifiers: ClinVar variation 1025493 (VCV001025493.8), dbSNP rs1647207716, ClinGen allele CA1151262839.

ClinVar aggregate classification (germline): Uncertain significance (1 of 4 stars; one submission).

Conditions:
Nephronophthisis. Also called: Juvenile Nephronophthisis. Identifiers: Orphanet 655, MedGen C0687120, MONDO:0019005, HP:0000090.

Submission:

Labcorp Genetics (formerly Invitae), Labcorp
Classification: Uncertain significance for Nephronophthisis. Last evaluated: 2022-02-04. Review status: criteria provided, single submitter. Criteria: Invitae Variant Classification Sherloc (09022015). Collection method: clinical testing. Allele origin: germline.
Comment: In summary, the available evidence is currently insufficient to determine the role of this variant in disease. Therefore, it has been classified as a Variant of Uncertain Significance. Variants that disrupt the consensus splice site are a relatively common cause of aberrant splicing (PMID: 17576681, 9536098). Algorithms developed to predict the effect of sequence changes on RNA splicing suggest that this variant may disrupt the consensus splice site. ClinVar contains an entry for this variant (Variation ID: 1025493). This variant has not been reported in the literature in individuals affected with NPHP4-related conditions. This variant is not present in population databases (gnomAD no frequency). This sequence change falls in intron 8 of the NPHP4 gene. It does not directly change the encoded amino acid sequence of the NPHP4 protein. It affects a nucleotide within the consensus splice site.

Literature cited by the submitters: PubMed 17576681; PubMed 9536098.